The following is an entry in ClinVar:

ClinVar aggregate classification (germline): Uncertain significance (1 of 4 stars; one submission).

Conditions:
Mitochondrial DNA depletion syndrome 20 (mngie type). Also called: MITOCHONDRIAL NEUROGASTROINTESTINAL ENCEPHALOMYOPATHY SYNDROME, LIG3-RELATED. Identifiers: MedGen C5676934, MONDO:0030696, OMIM 619780.

gnomAD v4.1: 2 of 1,614,102 alleles (0.00012%); highest among the groups gnomAD compares: East Asian, 0.0045%; no homozygotes.

Submission:

Laboratorio de Genetica e Diagnostico Molecular, Hospital Israelita Albert Einstein
Classification: Uncertain significance for Mitochondrial DNA depletion syndrome 20 (mngie type). Last evaluated: 2025-02-07. Review status: criteria provided, single submitter. Criteria: ACMG Guidelines, 2015. Collection method: clinical testing. Allele origin: germline. Affected: yes.
Comment: ACMG classification criteria: PM2 supporting, BP4 supporting

NM_013975.4(LIG3):c.2993C>A (p.Ala998Glu)

Gene: LIG3 (DNA ligase 3; plus strand). Cytogenetic location: 17q12.
Variant type: single nucleotide variant.
Coding change: c.2993C>A on transcript NM_013975.4 (MANE Select); coding-DNA position 2993, C replaced by A.
Protein change: p.Ala998Glu; replaces alanine 998 with glutamic acid.
Molecular consequence: missense variant.
Genome position (GRCh38, 1-based): chr17:35,004,469, C>A. VCF-style: chr17-35004469-C-A. GRCh37 (hg19) VCF-style: chr17-33331488-C-A.
Other names: short protein forms A998E.
Identifiers: ClinVar variation 4056582 (VCV004056582.1).
Genomic context (GRCh38, chr17:35,004,469, plus strand): 5'-TGCTGGGTAGCAGGGACAAGAACCCTGCGGCCCAGCAGGTCTCCCCAGAGTGGATTTGGG[C>A]ATGTATCCGGAAACGGAGACTGGTAGCTCCCTGCTAGGTTTGCTGTCTTCCCTCTCCCTC-3'
Protein context (NP_039269.2, residues 988-1008): AQQVSPEWIW[Ala998Glu]CIRKRRLVAP